The following is an entry in ClinVar:

ClinVar aggregate classification (germline): Uncertain significance (1 of 4 stars; one submission).

Conditions:
Progressive myoclonic epilepsy. Also called: Familial progressive myoclonic epilepsy; Myoclonus epilepsy; Progressive myoclonus epilepsy; Myoclonic Epilepsies, Progressive. Identifiers: Orphanet 308, Orphanet 98261, MedGen C0751778, MONDO:0020074.

Allele frequency attached by ClinVar (database versions not stated): gnomAD exomes below 0.00001; ExAC 0.00001; gnomAD 0.00001.
gnomAD v4.1: 3 of 1,606,688 alleles (0.00019%); highest among the groups gnomAD compares: Non-Finnish European, 0.00025%; no homozygotes.

Submission:

Labcorp Genetics (formerly Invitae), Labcorp
Classification: Uncertain significance for Progressive myoclonic epilepsy. Last evaluated: 2022-07-11. Review status: criteria provided, single submitter. Criteria: Invitae Variant Classification Sherloc (09022015). Collection method: clinical testing. Allele origin: germline.
Comment: This sequence change falls in intron 1 of the SCARB2 gene. It does not directly change the encoded amino acid sequence of the SCARB2 protein. It affects a nucleotide within the consensus splice site. This variant is present in population databases (rs755638994, gnomAD 0.0009%). This variant has not been reported in the literature in individuals affected with SCARB2-related conditions. ClinVar contains an entry for this variant (Variation ID: 1414660). Variants that disrupt the consensus splice site are a relatively common cause of aberrant splicing (PMID: 17576681, 9536098). Algorithms developed to predict the effect of sequence changes on RNA splicing suggest that this variant may disrupt the consensus splice site. In summary, the available evidence is currently insufficient to determine the role of this variant in disease. Therefore, it has been classified as a Variant of Uncertain Significance.

Literature cited by the submitters: PubMed 17576681; PubMed 9536098.

NM_005506.4(SCARB2):c.118-3T>G

Gene: SCARB2 (scavenger receptor class B member 2; minus strand). Cytogenetic location: 4q21.1.
Variant type: single nucleotide variant.
Coding change: c.118-3T>G on transcript NM_005506.4 (MANE Select); 3 bases into the intron before coding-DNA position 118, T replaced by G.
Molecular consequence: intron variant.
Genome position (GRCh38, 1-based): chr4:76,195,867, A>C on the plus strand (T>G on the coding strand, the complement: SCARB2 is on the minus strand). VCF-style: chr4-76195867-A-C. GRCh37 (hg19) VCF-style: chr4-77117020-A-C.
Other names: c.118-3T>G (NM_001204255.2).
Identifiers: ClinVar variation 1414660 (VCV001414660.3), dbSNP rs755638994, ClinGen allele CA2970407.
Genomic context (GRCh38, chr4:76,195,867, plus strand): 5'-GCAGAGGGGGCTTCTCCCAGGAGTCAAATGCCTCAGTACCATTCCTTAACACAATTTTCT[A>C]GGAAAAAACCAAAAGGAGATTTACAAAAATGTAAGGCAATAGTTGGCTTTAAACCCAAGA-3'